The following is an entry in ClinVar:

NM_182961.4(SYNE1):c.13985del (p.Lys4662fs)

Gene: SYNE1 (spectrin repeat containing nuclear envelope protein 1; minus strand). Cytogenetic location: 6q25.2.
Variant type: Deletion.
Coding change: c.13985del on transcript NM_182961.4 (MANE Select); coding-DNA position 13985, one base deleted (A; older notation c.13985delA).
Protein change: p.Lys4662fs; shifts the reading frame from lysine 4662.
Molecular consequence: frameshift variant.
Genome position (GRCh38, 1-based): chr6:152,330,700, T deleted on the plus strand (A on the coding strand, the reverse complement: SYNE1 is on the minus strand); the first of 2 consecutive T bases (chr6:152,330,700-152,330,701); deleting either gives the same sequence. VCF-style (leftmost placement, unchanged base first): chr6-152330699-CT-C. GRCh37 (hg19) VCF-style: chr6-152651834-CT-C.
Other names: c.13772del, p.Lys4591fs (NM_033071.5); short protein forms K4591fs, K4662fs.
Identifiers: ClinVar variation 4788488 (VCV004788488.1).
Genomic context (GRCh38, chr6:152,330,699, plus strand): 5'-CAACTCAATCAAGGAAGCATATTCCTTCCGAGCAAGAATTGCTTCCTGGACTTTATAGAA[CT>C]TGTCTTTAGCCAAGGCAACAATTACATTAAATTGTCGAGGCAAAGCATTTAGCTTTTCAC-3'

ClinVar aggregate classification (germline): Pathogenic (1 of 4 stars; one submission).

Conditions:
Autosomal recessive ataxia, Beauce type. Also called: SYNE1-Related Autosomal Recessive Cerebellar Ataxia; Spinocerebellar ataxia, autosomal recessive 8; ATAXIA, RECESSIVE, OF BEAUCE; SYNE1 Deficiency. Identifiers: Orphanet 88644, MedGen C1853116, MONDO:0012549, OMIM 610743.
Emery-Dreifuss muscular dystrophy 4, autosomal dominant (EDMD4). Also called: EMERY-DREIFUSS MUSCULAR DYSTROPHY 4 WITH VARIABLE FEATURES. Identifiers: Orphanet 261, MedGen C2751807, MONDO:0013071, OMIM 612998.

Submission:

Labcorp Genetics (formerly Invitae), Labcorp
Classification: Pathogenic for Emery-Dreifuss muscular dystrophy 4, autosomal dominant; Autosomal recessive ataxia, Beauce type. Last evaluated: 2025-05-12. Review status: criteria provided, single submitter. Criteria: Invitae Variant Classification Sherloc (09022015). Collection method: clinical testing. Allele origin: germline.
Comment: This sequence change creates a premature translational stop signal (p.Lys4591Serfs*18) in the SYNE1 gene. It is expected to result in an absent or disrupted protein product. Loss-of-function variants in SYNE1 are known to be pathogenic (PMID: 19542096, 24319099, 27086870). This variant is not present in population databases (gnomAD no frequency). This variant has not been reported in the literature in individuals affected with SYNE1-related conditions. For these reasons, this variant has been classified as Pathogenic.

Literature cited by the submitters: PubMed 19542096; PubMed 24319099; PubMed 27086870.